The following is an entry in ClinVar:

NM_001177701.3(IFT27):c.198T>C (p.Ala66=)

Genes: CACNG2-DT (CACNG2 divergent transcript; plus strand), IFT27 (intraflagellar transport 27; minus strand), LOC126863139 (CDK7 strongly-dependent group 2 enhancer GRCh37_chr22:37161913-37163112; plus strand). Cytogenetic location: 22q12.3.
Variant type: single nucleotide variant.
Coding change: c.198T>C on transcript NM_001177701.3 (MANE Select); coding-DNA position 198, T replaced by C.
Protein change: p.Ala66=; no amino-acid change (alanine 66 retained).
Molecular consequence: synonymous variant.
Genome position (GRCh38, 1-based): chr22:36,766,174, A>G on the plus strand (T>C on the coding strand, the complement: IFT27 is on the minus strand). VCF-style: chr22-36766174-A-G. GRCh37 (hg19) VCF-style: chr22-37162218-A-G.
Other names: c.195T>C (NM_006860.4); c.198T>C, p.Ala66= (NM_001363003.2); c.195T>C, p.Ala65= (NM_006860.5).
Identifiers: ClinVar variation 2996896 (VCV002996896.5), dbSNP rs147481935, ClinGen allele CA10212459.

ClinVar aggregate classification (germline): Likely benign. Review status: criteria provided, multiple submitters, no conflicts (2 of 4 stars). 3 submissions from 3 submitters: Likely benign (2). 1 of the submissions does not count toward it. Last evaluated 2023-10-13.

Conditions:
IFT27-related disorder. Also called: IFT27-related condition.

Allele frequency attached by ClinVar (database versions not stated): ExAC 0.00001; gnomAD 0.00001; gnomAD exomes 0.00002; TOPMed 0.00002; ESP Exome Variant Server 0.00008.
gnomAD v4.1: 30 of 1,614,076 alleles (0.0019%); highest among the groups gnomAD compares: Admixed American, 0.0033%; 1 homozygote.

Submissions (3):

Labcorp Genetics (formerly Invitae), Labcorp
Classification: Likely benign. Last evaluated: 2023-10-13. Review status: criteria provided, single submitter. Criteria: Invitae Variant Classification Sherloc (09022015). Collection method: clinical testing. Allele origin: germline.

Blueprint Genetics
Classification: Likely benign. Last evaluated: 2023-05-23. Review status: criteria provided, single submitter. Criteria: ACMG Guidelines, 2015. Collection method: clinical testing. Allele origin: germline.

PreventionGenetics, part of Exact Sciences
Classification: Likely benign for IFT27-related condition. Last evaluated: 2024-05-01. Review status: no assertion criteria provided. Collection method: clinical testing. Allele origin: germline. Not counted in ClinVar's aggregate classification.
Comment: This variant is classified as likely benign based on ACMG/AMP sequence variant interpretation guidelines (Richards et al. 2015 PMID: 25741868, with internal and published modifications).